The following is an entry in ClinVar:

NM_000718.4(CACNA1B):c.1059C>T (p.Gly353=)

Gene: CACNA1B (calcium voltage-gated channel subunit alpha1 B; plus strand). Cytogenetic location: 9q34.3.
Variant type: single nucleotide variant.
Coding change: c.1059C>T on transcript NM_000718.4 (MANE Select); coding-DNA position 1059, C replaced by T.
Protein change: p.Gly353=; no amino-acid change (glycine 353 retained).
Molecular consequence: synonymous variant.
Genome position (GRCh38, 1-based): chr9:137,952,366, C>T. VCF-style: chr9-137952366-C-T. GRCh37 (hg19) VCF-style: chr9-140846818-C-T.
Other names: c.1059C>T, p.Gly353= (NM_001243812.2); c.1059C>T (NM_000718.3).
Identifiers: ClinVar variation 2195293 (VCV002195293.30), dbSNP rs202182509, ClinGen allele CA5376026.

ClinVar aggregate classification (germline): Likely benign. Review status: criteria provided, multiple submitters, no conflicts (2 of 4 stars). 4 submissions from 4 submitters: Likely benign (4). Last evaluated 2025-07-21.

Conditions:
CACNA1B-related disorder. Also called: CACNA1B-related condition.

Allele frequency attached by ClinVar (database versions not stated): ExAC 0.00001; gnomAD 0.00001; TOPMed 0.00002; ESP Exome Variant Server 0.00008.
gnomAD v4.1: 63 of 1,613,458 alleles (0.0039%); highest among the groups gnomAD compares: East Asian, 0.056%; no homozygotes.

Submissions (4):

Labcorp Genetics (formerly Invitae), Labcorp
Classification: Likely benign. Last evaluated: 2025-07-21. Review status: criteria provided, single submitter. Criteria: Invitae Variant Classification Sherloc (09022015). Collection method: clinical testing. Allele origin: germline.

PreventionGenetics, part of Exact Sciences
Classification: Likely benign for CACNA1B-related condition. Last evaluated: 2024-12-17. Review status: criteria provided, single submitter. Criteria: ACMG Guidelines, 2015. Collection method: clinical testing. Allele origin: germline.
Comment: This variant is classified as likely benign based on ACMG/AMP sequence variant interpretation guidelines (Richards et al. 2015 PMID: 25741868, with internal and published modifications).

Blueprint Genetics
Classification: Likely benign. Last evaluated: 2024-09-09. Review status: criteria provided, single submitter. Criteria: ACMG Guidelines, 2015. Collection method: clinical testing. Allele origin: germline.

CeGaT Center for Human Genetics Tuebingen
Classification: Likely benign. Last evaluated: 2022-05-01. Review status: criteria provided, single submitter. Criteria: CeGaT Center For Human Genetics Tuebingen Variant Classification Criteria Version 2. Collection method: clinical testing. Allele origin: germline. Affected: yes. Observed: 1 variant allele.
Comment: CACNA1B: BP4, BP7